The following is an entry in ClinVar:

ClinVar aggregate classification (germline): Pathogenic (1 of 4 stars; one submission).

Submission:

Labcorp Genetics (formerly Invitae), Labcorp
Classification: Pathogenic. Last evaluated: 2020-06-07. Review status: criteria provided, single submitter. Criteria: Invitae Variant Classification Sherloc (09022015). Collection method: clinical testing. Allele origin: germline.
Comment: For these reasons, this variant has been classified as Pathogenic. Loss-of-function variants in TRMU are known to be pathogenic (PMID: 19732863, 23625533). This variant has not been reported in the literature in individuals with TRMU-related conditions. This variant is an out-of-frame deletion of the genomic region encompassing exon 3 of the TRMU gene. This is expected to create a premature translational stop signal and result in an absent or disrupted protein product.

Literature cited by the submitters: PubMed 19732863; PubMed 23625533.

NC_000022.11:g.(?_46343252)_(46343378_?)del

Gene: TRMU (tRNA mitochondrial 2-thiouridylase; plus strand). Cytogenetic location: 22q13.31.
Variant type: Deletion.
Identifiers: ClinVar variation 830455 (VCV000830455.5).